The following is an entry in ClinVar:

ClinVar aggregate classification (germline): Likely benign (1 of 4 stars; one submission).

Conditions:
SEMA3B-related disorder. Also called: SEMA3B-related condition.

Allele frequency attached by ClinVar (database versions not stated): gnomAD exomes 0.00001.
gnomAD v4.1: 7 of 1,613,794 alleles (0.00043%); highest among the groups gnomAD compares: South Asian, 0.0044%; no homozygotes.

Submission:

PreventionGenetics, part of Exact Sciences
Classification: Likely benign for SEMA3B-related condition. Last evaluated: 2021-06-03. Review status: criteria provided, single submitter. Criteria: ACMG Guidelines, 2015. Collection method: clinical testing. Allele origin: germline.
Comment: This variant is classified as likely benign based on ACMG/AMP sequence variant interpretation guidelines (Richards et al. 2015 PMID: 25741868, with internal and published modifications).

NM_001290060.2(SEMA3B):c.765G>A (p.Pro255=)

Gene: SEMA3B (semaphorin 3B; plus strand). Cytogenetic location: 3p21.31.
Variant type: single nucleotide variant.
Coding change: c.765G>A on transcript NM_001290060.2 (MANE Select); coding-DNA position 765, G replaced by A.
Protein change: p.Pro255=; no amino-acid change (proline 255 retained).
Molecular consequence: synonymous variant. On other transcripts: 5 prime UTR variant (1), intron variant (1).
Genome position (GRCh38, 1-based): chr3:50,273,398, G>A. VCF-style: chr3-50273398-G-A. GRCh37 (hg19) VCF-style: chr3-50310829-G-A.
Other names: c.765G>A, p.Pro255= (NM_001005914.3, NM_001290061.1, NM_004636.4); c.-262G>A (NM_001290062.2); c.-220+84G>A (NM_001290063.2).
Identifiers: ClinVar variation 3054514 (VCV003054514.1), dbSNP rs2470772800, ClinGen allele CA2577826683.